The following is an entry in ClinVar:

NM_001372051.1(CASP8):c.23A>G (p.Tyr8Cys)

Gene: CASP8 (caspase 8; plus strand). Cytogenetic location: 2q33.1.
Variant type: single nucleotide variant.
Coding change: c.23A>G on transcript NM_001372051.1 (MANE Select); coding-DNA position 23, A replaced by G.
Protein change: p.Tyr8Cys; replaces tyrosine 8 with cysteine.
Molecular consequence: missense variant. On other transcripts: 5 prime UTR variant (9), non-coding transcript variant (22), intron variant (3).
Genome position (GRCh38, 1-based): chr2:201,266,509, A>G. VCF-style: chr2-201266509-A-G. GRCh37 (hg19) VCF-style: chr2-202131232-A-G.
Other names: c.23A>G, p.Tyr8Cys (NM_001080124.2, NM_001228.5, NM_001400645.1 and 21 more transcripts); c.200A>G, p.Tyr67Cys (NM_001080125.2, NM_001400642.1, NM_001400665.1); c.-510A>G (NM_001400671.1, NM_001400673.1, NM_001400676.1 and 4 more transcripts); c.-691A>G (NM_001400674.1); c.-589A>G (NM_001400680.1); c.-4-5007A>G (NM_001400669.1); c.-227-5007A>G (NM_001400672.1, NM_001400675.1); short protein forms Y67C, Y8C.
Identifiers: ClinVar variation 1448716 (VCV001448716.8), dbSNP rs895052255, ClinGen allele CA63878502.

ClinVar aggregate classification (germline): Uncertain significance (1 of 4 stars; one submission).

Conditions:
Autoimmune lymphoproliferative syndrome type 2B. Also called: AUTOIMMUNE LYMPHOPROLIFERATIVE SYNDROME, TYPE IIB. Identifiers: Orphanet 275517, MedGen C1846545, MONDO:0011804, OMIM 607271.

Allele frequency attached by ClinVar (database versions not stated): TOPMed below 0.00001.
gnomAD v4.1: 5 of 1,614,138 alleles (0.00031%); highest among the groups gnomAD compares: Middle Eastern, 0.033%; no homozygotes.

Submission:

Labcorp Genetics (formerly Invitae), Labcorp
Classification: Uncertain significance for Autoimmune lymphoproliferative syndrome type 2B. Last evaluated: 2022-06-13. Review status: criteria provided, single submitter. Criteria: Invitae Variant Classification Sherloc (09022015). Collection method: clinical testing. Allele origin: germline.
Comment: In summary, the available evidence is currently insufficient to determine the role of this variant in disease. Therefore, it has been classified as a Variant of Uncertain Significance. Algorithms developed to predict the effect of missense changes on protein structure and function (SIFT, PolyPhen-2, Align-GVGD) all suggest that this variant is likely to be tolerated. This variant has not been reported in the literature in individuals affected with CASP8-related conditions. This variant is not present in population databases (gnomAD no frequency). This sequence change replaces tyrosine, which is neutral and polar, with cysteine, which is neutral and slightly polar, at codon 8 of the CASP8 protein (p.Tyr8Cys).